The following is an entry in ClinVar:

NM_000187.4(HGD):c.549+1G>T

Gene: HGD (homogentisate 1,2-dioxygenase; minus strand). Cytogenetic location: 3q13.33.
Variant type: single nucleotide variant.
Coding change: c.549+1G>T on transcript NM_000187.4 (MANE Select); the canonical splice donor site of the intron after coding-DNA position 549, G replaced by T.
Molecular consequence: splice donor variant.
Genome position (GRCh38, 1-based): chr3:120,646,972, C>A on the plus strand (G>T on the coding strand, the complement: HGD is on the minus strand). VCF-style: chr3-120646972-C-A. GRCh37 (hg19) VCF-style: chr3-120365819-C-A.
Identifiers: ClinVar variation 2584768 (VCV002584768.6), dbSNP rs1373462009, ClinGen allele CA354076883.

ClinVar aggregate classification (germline): Pathogenic. Review status: criteria provided, multiple submitters, no conflicts (2 of 4 stars). 3 submissions from 3 submitters: Pathogenic (2). 1 of the submissions does not count toward it. Last evaluated 2023-11-24.

Conditions:
Alkaptonuria (AKU). Also called: Alkaptonuric ochronosis; Homogentisic acidura; Alcaptonuria; HOMOGENTISIC ACID OXIDASE DEFICIENCY. Identifiers: Orphanet 56, MedGen C0002066, MONDO:0008753, OMIM 203500.

Allele frequency attached by ClinVar (database versions not stated): gnomAD exomes below 0.00001; TOPMed 0.00001.
gnomAD v4.1: 2 of 1,612,754 alleles (0.00012%); highest among the groups gnomAD compares: African/African-American, 0.0013%; no homozygotes.

Submissions (3):

Labcorp Genetics (formerly Invitae), Labcorp
Classification: Pathogenic for Alkaptonuria. Last evaluated: 2023-11-24. Review status: criteria provided, single submitter. Criteria: Invitae Variant Classification Sherloc (09022015). Collection method: clinical testing. Allele origin: germline.
Comment: This sequence change affects a donor splice site in intron 8 of the HGD gene. It is expected to disrupt RNA splicing. Variants that disrupt the donor or acceptor splice site typically lead to a loss of protein function (PMID: 16199547), and loss-of-function variants in HGD are known to be pathogenic (PMID: 12501223, 19862842). This variant is not present in population databases (gnomAD no frequency). Disruption of this splice site has been observed in individual(s) with alkaptonuria (PMID: 19862842). Algorithms developed to predict the effect of sequence changes on RNA splicing suggest that this variant may disrupt the consensus splice site. For these reasons, this variant has been classified as Pathogenic.

Laboratory for Molecular Medicine, Mass General Brigham Personalized Medicine
Classification: Pathogenic for Alkaptonuria. Last evaluated: 2022-08-26. Review status: criteria provided, single submitter. Criteria: ACMG Guidelines, 2015. Collection method: clinical testing. Allele origin: germline.
Comment: The c.549+1G>T variant in HGD has been reported in 1 individual with alkaptonuria who was homozygous for the variant (Kisa 2021 PMID:33746036), and was absent in large population databases. This variant occurs within the canonical splice site (+/- 1,2) and is predicted to cause altered splicing leading to an abnormal or absent protein. Loss of function of the HGD gene is an established disease mechanism in autosomal recessive alkaptonuria. In summary, this variant meets criteria to be classified as pathogenic for autosomal recessive alkaptonuria. ACMG/AMP criteria applied: PVS1, PM3_Supporting, PM2_Supporting.

Department Of Human Genetics, Institute Of Clinical And Translational Research, Biomedical Research Center, Slovak Academy Of Sciences
Classification: Pathogenic for Alkaptonuria. Review status: no assertion criteria provided. Collection method: research. Allele origin: germline. Inheritance: Autosomal recessive inheritance. Affected: yes. Observed: 2 variant alleles. Not counted in ClinVar's aggregate classification.
Comment: The variant was originally described in PMID:33746036. It has been submitted to the HGD gene mutation database (DB-ID: AKU_00240).

Literature cited by the submitters: PubMed 16199547 (cited by Labcorp Genetics (formerly Invitae), Labcorp); PubMed 12501223 (cited by Labcorp Genetics (formerly Invitae), Labcorp); PubMed 19862842 (cited by Labcorp Genetics (formerly Invitae), Labcorp); PubMed 33746036 (cited by Department Of Human Genetics, Institute Of Clinical And Translational Research, Biomedical Research Center, Slovak Academy Of Sciences).